The following is an entry in ClinVar:

ClinVar aggregate classification (germline): Benign/Likely benign. Review status: criteria provided, multiple submitters, no conflicts (2 of 4 stars). 15 submissions from 9 submitters: Benign (6); Likely benign (9). Last evaluated 2026-09-17.

Conditions:
Age related macular degeneration 4. Identifiers: MedGen C1853147, MONDO:0012540, OMIM 610698.
Factor H deficiency (CFHD). Also called: CFH DEFICIENCY; COMPLEMENT FACTOR H DEFICIENCY. Identifiers: Orphanet 200421, MedGen C0398777, MONDO:0012350, OMIM 609814.
Basal laminar drusen. Also called: DRUSEN OF BRUCH MEMBRANE; DRUSEN, CUTICULAR; DRUSEN, EARLY ADULT-ONSET, GROUPED. Identifiers: Orphanet 75376, MedGen C0730295, MONDO:0007472, OMIM 126700.
Atypical hemolytic-uremic syndrome. Identifiers: Orphanet 2134, MedGen C2931788, MONDO:0016244.
Hemolytic uremic syndrome, atypical, susceptibility to, 1. Also called: AHUS, SUSCEPTIBILITY TO, 1. Identifiers: Orphanet 2134, Orphanet 90038, MedGen C2749604, MONDO:0009335, OMIM 235400. Disease mechanism: Other.
CFH-Related Dense Deposit Disease / Membranoproliferative Glomerulonephritis Type II. Identifiers: MedGen CN071292.

Allele frequency attached by ClinVar (database versions not stated): gnomAD 0.00050 and 0.00078; TOPMed 0.00072; ExAC 0.00131; gnomAD exomes 0.00142; 1000 Genomes Project 30x 0.00312; 1000 Genomes Project 0.00339.
gnomAD v4.1: 862 of 1,611,548 alleles (0.053%); highest among the groups gnomAD compares: East Asian, 1.7%; 9 homozygotes.

Submissions (15):

Genomenon, Inc
Classification: Benign for Age related macular degeneration 4; Atypical hemolytic-uremic syndrome; Factor H deficiency; Basal laminar drusen. Last evaluated: 2026-09-17. Review status: criteria provided, single submitter. Criteria: Genomenon Sequence Variant Interpretation Standards - Updated. Collection method: curation. Allele origin: germline. Affected: no.
Comment: CFH p.Val837Ile (c.2509G>A) is a missense variant that changes the amino acid at codon 837 from valine to isoleucine. This variant is present at high allele frequency in population databases. We classify CFH p.Val837Ile (c.2509G>A) as a benign variant.

Women's Health and Genetics/Laboratory Corporation of America, LabCorp
Classification: Benign. Last evaluated: 2026-04-09. Review status: criteria provided, single submitter. Criteria: LabCorp Variant Classification Summary - May 2015. Collection method: clinical testing. Allele origin: germline.
Comment: Variant summary: CFH c.2509G>A (p.Val837Ile) results in a conservative amino acid change in the encoded protein sequence. Algorithms developed to predict the effect of missense changes on protein structure and function all suggest that this variant is likely to be tolerated. The variant allele was found at a frequency of 0.0014 in 250534 control chromosomes, predominantly at a frequency of 0.018 within the East Asian subpopulation in the gnomAD database, including 5 homozygotes, which is not consistent with the presentation of CFH-related conditions. The observed variant frequency within East Asian control individuals in the gnomAD database exceeds the estimated maximal expected allele frequency for disease-causing variants in CFH. c.2509G>A has been observed in individual(s) affected with atypical hemolytic uremic syndrome or dense deposit disease without strong evidence for causality (example, Yun_2020, Zhang_2012, Tseng_2019). These report(s) do not provide unequivocal conclusions about association of the variant with CFH-related conditions. To our knowledge, no experimental evidence demonstrating an impact on protein function has been reported. The following publications have been ascertained in the context of this evaluation (PMID: 33213850, 22223606, 30905589). ClinVar contains an entry for this variant (Variation ID: 294502). Based on the evidence outlined above, the variant was classified as benign.

Labcorp Genetics (formerly Invitae), Labcorp
Classification: Benign. Last evaluated: 2026-01-11. Review status: criteria provided, single submitter. Criteria: Invitae Variant Classification Sherloc (09022015). Collection method: clinical testing. Allele origin: germline.

Mayo Clinic Laboratories, Mayo Clinic
Classification: Likely benign. Last evaluated: 2025-03-26. Review status: criteria provided, single submitter. Criteria: ACMG Guidelines, 2015. Collection method: clinical testing. Allele origin: germline. Observed: 5 variant alleles.
Comment: BS1, BP4_moderate

CeGaT Center for Human Genetics Tuebingen
Classification: Likely benign. Last evaluated: 2025-02-01. Review status: criteria provided, single submitter. Criteria: CeGaT Center For Human Genetics Tuebingen Variant Classification Criteria Version 2. Collection method: clinical testing. Allele origin: germline. Affected: yes. Observed: 1 variant allele.
Comment: CFH: BP4, BS1

Genome-Nilou Lab
Classification: Likely benign for Hemolytic uremic syndrome, atypical, susceptibility to, 1. Last evaluated: 2023-04-11. Review status: criteria provided, single submitter. Criteria: ACMG Guidelines, 2015. Collection method: clinical testing. Allele origin: germline. Affected: no.

Genome-Nilou Lab
Classification: Likely benign for Age related macular degeneration 4. Last evaluated: 2023-04-11. Review status: criteria provided, single submitter. Criteria: ACMG Guidelines, 2015. Collection method: clinical testing. Allele origin: germline. Affected: no.

Genome-Nilou Lab
Classification: Likely benign for Basal laminar drusen. Last evaluated: 2023-04-11. Review status: criteria provided, single submitter. Criteria: ACMG Guidelines, 2015. Collection method: clinical testing. Allele origin: germline. Affected: no.

Genome-Nilou Lab
Classification: Likely benign for Factor H deficiency. Last evaluated: 2023-04-11. Review status: criteria provided, single submitter. Criteria: ACMG Guidelines, 2015. Collection method: clinical testing. Allele origin: germline. Affected: no.

Fulgent Genetics
Classification: Likely benign for Basal laminar drusen; Hemolytic uremic syndrome, atypical, susceptibility to, 1; Factor H deficiency; Age related macular degeneration 4. Last evaluated: 2021-07-23. Review status: criteria provided, single submitter. Criteria: ACMG Guidelines, 2015. Collection method: clinical testing. Allele origin: unknown.

Illumina Laboratory Services, Illumina
Classification: Benign for Membranoproliferative glomerulonephritis with complement factor h deficiency. Last evaluated: 2018-01-13. Review status: criteria provided, single submitter. Criteria: ICSL Variant Classification Criteria 13 December 2019. Collection method: clinical testing. Allele origin: germline.
Comment: This variant was observed in the ICSL laboratory as part of a predisposition screen in an ostensibly healthy population. It had not been previously curated by ICSL or reported in the Human Gene Mutation Database (HGMD: prior to June 1st, 2018), and was therefore a candidate for classification through an automated scoring system. Utilizing variant allele frequency, disease prevalence and penetrance estimates, and inheritance mode, an automated score was calculated to assess if this variant is too frequent to cause the disease. Based on the score and internal cut-off values, a variant classified as benign is not then subjected to further curation. The score for this variant resulted in a classification of benign for this disease.

Illumina Laboratory Services, Illumina
Classification: Likely benign for Basal laminar drusen. Last evaluated: 2018-01-13. Review status: criteria provided, single submitter. Criteria: ICSL Variant Classification Criteria 13 December 2019. Collection method: clinical testing. Allele origin: germline.
Comment: This variant was observed in the ICSL laboratory as part of a predisposition screen in an ostensibly healthy population. It had not been previously curated by ICSL or reported in the Human Gene Mutation Database (HGMD: prior to June 1st, 2018), and was therefore a candidate for classification through an automated scoring system. Utilizing variant allele frequency, disease prevalence and penetrance estimates, and inheritance mode, an automated score was calculated to assess if this variant is too frequent to cause the disease. Based on the score and internal cut-off values, a variant classified as likely benign is not then subjected to further curation. The score for this variant resulted in a classification of likely benign for this disease.

Illumina Laboratory Services, Illumina
Classification: Benign for Age related macular degeneration 4. Last evaluated: 2018-01-13. Review status: criteria provided, single submitter. Criteria: ICSL Variant Classification Criteria 13 December 2019. Collection method: clinical testing. Allele origin: germline.
Comment: the same text as in the submission from Illumina Laboratory Services, Illumina above.

Illumina Laboratory Services, Illumina
Classification: Benign for Hemolytic uremic syndrome, atypical, susceptibility to, 1. Last evaluated: 2018-01-13. Review status: criteria provided, single submitter. Criteria: ICSL Variant Classification Criteria 13 December 2019. Collection method: clinical testing. Allele origin: germline.
Comment: the same text as in the submission from Illumina Laboratory Services, Illumina above.

Breakthrough Genomics
Classification: Likely benign. Review status: criteria provided, single submitter. Criteria: ACMG Guidelines, 2015. Collection method: not provided. Allele origin: germline. Inheritance: Autosomal recessive inheritance. Affected: yes.

Literature cited by the submitters: PubMed 33213850 (cited by Women's Health and Genetics/Laboratory Corporation of America, LabCorp and Mayo Clinic Laboratories, Mayo Clinic); PubMed 30905589 (cited by Women's Health and Genetics/Laboratory Corporation of America, LabCorp and Mayo Clinic Laboratories, Mayo Clinic); PubMed 22223606 (cited by Women's Health and Genetics/Laboratory Corporation of America, LabCorp and Mayo Clinic Laboratories, Mayo Clinic); PubMed 25135378 (cited by Mayo Clinic Laboratories, Mayo Clinic).

NM_000186.4(CFH):c.2509G>A (p.Val837Ile)

Gene: CFH (complement factor H; plus strand). Cytogenetic location: 1q31.3.
Variant type: single nucleotide variant.
Coding change: c.2509G>A on transcript NM_000186.4 (MANE Select); coding-DNA position 2509, G replaced by A.
Protein change: p.Val837Ile; replaces valine 837 with isoleucine.
Molecular consequence: missense variant.
Genome position (GRCh38, 1-based): chr1:196,736,919, G>A. VCF-style: chr1-196736919-G-A. GRCh37 (hg19) VCF-style: chr1-196706049-G-A.
Other names: p.Val837Ile; short protein forms V837I.
Identifiers: ClinVar variation 294502 (VCV000294502.32), dbSNP rs55807605, ClinGen allele CA1305679.